The following is an entry in ClinVar:

ClinVar aggregate classification (germline): Conflicting classifications of pathogenicity. Review status: criteria provided, conflicting classifications (1 of 4 stars). 6 submissions from 6 submitters: Uncertain significance (2); Likely benign (4). Last evaluated 2026-01-26.

Conditions:
RYR1-related disorder. Also called: RYR1-related condition; RYR1-related disorders. Identifiers: MedGen CN239331.
Malignant hyperthermia, susceptibility to, 1 (MHS1). Also called: RYR1-Related Malignant Hyperthermia Susceptibility; Malignant hyperthermia suceptibility 1; Anesthesia related hyperthermia; Malignant hyperpyrexia; Fulminating hyperpyrexia; Pharmacogenic myopathy. Identifiers: Orphanet 423, MedGen C2930980, MONDO:0007783, OMIM 145600.

Allele frequency attached by ClinVar (database versions not stated): 1000 Genomes Project 30x 0.00031; gnomAD 0.00037 and 0.00042; 1000 Genomes Project 0.00040; TOPMed 0.00042; ESP Exome Variant Server 0.00092.
gnomAD v4.1: 104 of 1,614,012 alleles (0.0064%); highest among the groups gnomAD compares: African/African-American, 0.13%; no homozygotes.

Submissions (6):

Labcorp Genetics (formerly Invitae), Labcorp
Classification: Likely benign for RYR1-related disorder. Last evaluated: 2026-01-26. Review status: criteria provided, single submitter. Criteria: Invitae Variant Classification Sherloc (09022015). Collection method: clinical testing. Allele origin: germline.

PreventionGenetics, part of Exact Sciences
Classification: Likely benign for RYR1-related condition. Last evaluated: 2025-06-24. Review status: criteria provided, single submitter. Criteria: ACMG Guidelines, 2015. Collection method: clinical testing. Allele origin: germline.
Comment: This variant is classified as likely benign based on ACMG/AMP sequence variant interpretation guidelines (Richards et al. 2015 PMID: 25741868, with internal and published modifications).

GeneDx
Classification: Uncertain significance. Last evaluated: 2025-01-13. Review status: criteria provided, single submitter. Criteria: GeneDx Variant Classification Process June 2021. Collection method: clinical testing. Allele origin: germline. Affected: yes.
Comment: In silico analysis indicates that this missense variant does not alter protein structure/function; Has not been previously published as pathogenic or benign to our knowledge; This variant is associated with the following publications: (PMID: 12668474)

Revvity Omics, Revvity
Classification: Likely benign. Last evaluated: 2023-10-25. Review status: criteria provided, single submitter. Criteria: ACMG Guidelines, 2015. Collection method: clinical testing. Allele origin: germline.

Color Diagnostics, LLC DBA Color Health
Classification: Likely benign for Malignant hyperthermia, susceptibility to, 1. Last evaluated: 2022-11-06. Review status: criteria provided, single submitter. Criteria: ACMG Guidelines, 2015. Collection method: clinical testing. Allele origin: germline.

Eurofins Ntd Llc (ga)
Classification: Uncertain significance. Last evaluated: 2017-02-09. Review status: criteria provided, single submitter. Criteria: EGL Classification Definitions 2015. Collection method: clinical testing. Allele origin: germline. Observed: 1 variant allele, 1 heterozygote.

NM_000540.3(RYR1):c.9385C>T (p.Leu3129Phe)

Gene: RYR1 (ryanodine receptor 1; plus strand). Cytogenetic location: 19q13.2.
Variant type: single nucleotide variant.
Coding change: c.9385C>T on transcript NM_000540.3 (MANE Select); coding-DNA position 9385, C replaced by T.
Protein change: p.Leu3129Phe; replaces leucine 3129 with phenylalanine.
Molecular consequence: missense variant.
Genome position (GRCh38, 1-based): chr19:38,512,396, C>T. VCF-style: chr19-38512396-C-T. GRCh37 (hg19) VCF-style: chr19-39003036-C-T.
Other names: c.9385C>T, p.Leu3129Phe (NM_001042723.2); short protein forms L3129F.
Identifiers: ClinVar variation 500420 (VCV000500420.21), dbSNP rs143445685, ClinGen allele CA073552.